The following is an entry in ClinVar:

ClinVar aggregate classification (germline): Uncertain significance. Review status: criteria provided, multiple submitters, no conflicts (2 of 4 stars). 4 submissions from 4 submitters: Uncertain significance (4). Last evaluated 2026-07-02.

Conditions:
Familial thoracic aortic aneurysm and aortic dissection (TAAD). Also called: Thoracic aortic aneurysms and dissections. Identifiers: Orphanet 91387, MedGen C4707243, MONDO:0019625.
Marfan syndrome (MFS). Also called: Marfan's syndrome; Marfan syndrome, classic; Marfan syndrome type 1; MARFAN SYNDROME, TYPE I; FBN1-Related Marfan Syndrome. Identifiers: Orphanet 284963, Orphanet 558, MedGen C0024796, MONDO:0007947, OMIM 154700.

Submissions (4):

Ambry Genetics
Classification: Uncertain significance for Familial thoracic aortic aneurysm and aortic dissection. Last evaluated: 2026-07-02. Review status: criteria provided, single submitter. Criteria: Ambry Variant Classification Scheme 2023. Collection method: clinical testing. Allele origin: germline.
Comment: The p.M1576I variant (also known as c.4728G>A), located in coding exon 37 of the FBN1 gene, results from a G to A substitution at nucleotide position 4728. The methionine at codon 1576 is replaced by isoleucine, an amino acid with highly similar properties. This amino acid position is conserved. In addition, this alteration is predicted to be tolerated by in silico analysis. Based on the available evidence, the clinical significance of this variant remains unclear.

Labcorp Genetics (formerly Invitae), Labcorp
Classification: Uncertain significance for Marfan syndrome; Familial thoracic aortic aneurysm and aortic dissection. Last evaluated: 2025-12-29. Review status: criteria provided, single submitter. Criteria: Invitae Variant Classification Sherloc (09022015). Collection method: clinical testing. Allele origin: germline.
Comment: This sequence change replaces methionine, which is neutral and non-polar, with isoleucine, which is neutral and non-polar, at codon 1576 of the FBN1 protein (p.Met1576Ile). This variant is not present in population databases (gnomAD no frequency). This variant has not been reported in the literature in individuals affected with FBN1-related conditions. ClinVar contains an entry for this variant (Variation ID: 1331934). Invitae Evidence Modeling of protein sequence and biophysical properties (such as structural, functional, and spatial information, amino acid conservation, physicochemical variation, residue mobility, and thermodynamic stability) indicates that this missense variant is not expected to disrupt FBN1 protein function with a negative predictive value of 95%. In summary, the available evidence is currently insufficient to determine the role of this variant in disease. Therefore, it has been classified as a Variant of Uncertain Significance.

Color Diagnostics, LLC DBA Color Health
Classification: Uncertain significance for Familial thoracic aortic aneurysm and aortic dissection. Last evaluated: 2024-03-06. Review status: criteria provided, single submitter. Criteria: ACMG Guidelines, 2015. Collection method: clinical testing. Allele origin: germline.
Comment: This missense variant replaces methionine with isoleucine at codon 1576 of the FBN1 protein. Computational prediction suggests that this variant may not impact protein structure and function (internally defined REVEL score threshold <= 0.5, PMID: 27666373). To our knowledge, functional studies have not been reported for this variant. This variant has not been reported in individuals affected with FBN1-related disorders in the literature. This variant has not been identified in the general population by the Genome Aggregation Database (gnomAD). The available evidence is insufficient to determine the role of this variant in disease conclusively. Therefore, this variant is classified as a Variant of Uncertain Significance.

All of Us Research Program, National Institutes of Health
Classification: Uncertain significance for Marfan syndrome. Last evaluated: 2023-09-17. Review status: criteria provided, single submitter. Criteria: ACMG Guidelines, 2015. Collection method: clinical testing. Allele origin: germline. Inheritance: Autosomal dominant inheritance. Observed: 2 variant alleles, 2 heterozygotes.
Comment: This missense variant replaces methionine with isoleucine at codon 1576 of the FBN1 protein. Computational prediction suggests that this variant may not impact protein structure and function (internally defined REVEL score threshold <= 0.5, PMID: 27666373). To our knowledge, functional studies have not been reported for this variant. This variant has not been reported in individuals affected with cardiovascular disorders in the literature. This variant has not been identified in the general population by the Genome Aggregation Database (gnomAD). The available evidence is insufficient to determine the role of this variant in disease conclusively. Therefore, this variant is classified as a Variant of Uncertain Significance.

This study involves interpretation of variants in research participants for the purpose of population health screening. Participant phenotype was not available at the time of variant classification. Additional details can be found in publication PMID: 35346344, PMCID: PMC8962531

NM_000138.5(FBN1):c.4728G>A (p.Met1576Ile)

Gene: FBN1 (fibrillin 1; minus strand). Cytogenetic location: 15q21.1.
Variant type: single nucleotide variant.
Coding change: c.4728G>A on transcript NM_000138.5 (MANE Select); coding-DNA position 4728, G replaced by A.
Protein change: p.Met1576Ile; replaces methionine 1576 with isoleucine.
Molecular consequence: missense variant.
Genome position (GRCh38, 1-based): chr15:48,467,957, C>T on the plus strand (G>A on the coding strand, the complement: FBN1 is on the minus strand). VCF-style: chr15-48467957-C-T. GRCh37 (hg19) VCF-style: chr15-48760154-C-T.
Other names: short protein forms M1576I.
Identifiers: ClinVar variation 1331934 (VCV001331934.8), dbSNP rs2141272271, ClinGen allele CA392352793.